The following is an entry in ClinVar:

NM_001128148.3(TFRC):c.33C>G (p.Asn11Lys)

Gene: TFRC (transferrin receptor; minus strand). Cytogenetic location: 3q29.
Variant type: single nucleotide variant.
Coding change: c.33C>G on transcript NM_001128148.3 (MANE Select); coding-DNA position 33, C replaced by G.
Protein change: p.Asn11Lys; replaces asparagine 11 with lysine.
Molecular consequence: missense variant. On other transcripts: 5 prime UTR variant (2).
Genome position (GRCh38, 1-based): chr3:196,077,067, G>C on the plus strand (C>G on the coding strand, the complement: TFRC is on the minus strand). VCF-style: chr3-196077067-G-C. GRCh37 (hg19) VCF-style: chr3-195803938-G-C.
Other names: c.-9C>G (NM_001313965.2); c.-416C>G (NM_001313966.2); c.33C>G, p.Asn11Lys (NM_003234.4); short protein forms N11K.
Identifiers: ClinVar variation 2097880 (VCV002097880.4), dbSNP rs2473999376, ClinGen allele CA355580000.

ClinVar aggregate classification (germline): Uncertain significance (1 of 4 stars; one submission).

Submission:

Labcorp Genetics (formerly Invitae), Labcorp
Classification: Uncertain significance. Last evaluated: 2025-03-03. Review status: criteria provided, single submitter. Criteria: Invitae Variant Classification Sherloc (09022015). Collection method: clinical testing. Allele origin: germline.
Comment: This sequence change replaces asparagine, which is neutral and polar, with lysine, which is basic and polar, at codon 11 of the TFRC protein (p.Asn11Lys). This variant is not present in population databases (gnomAD no frequency). This variant has not been reported in the literature in individuals affected with TFRC-related conditions. ClinVar contains an entry for this variant (Variation ID: 2097880). An algorithm developed to predict the effect of missense changes on protein structure and function (PolyPhen-2) suggests that this variant is likely to be tolerated. In summary, the available evidence is currently insufficient to determine the role of this variant in disease. Therefore, it has been classified as a Variant of Uncertain Significance.